The following is an entry in ClinVar:

NM_000512.5(GALNS):c.181C>A (p.Arg61=)

Gene: GALNS (galactosamine (N-acetyl)-6-sulfatase; minus strand). Cytogenetic location: 16q24.3.
Variant type: single nucleotide variant.
Coding change: c.181C>A on transcript NM_000512.5 (MANE Select); coding-DNA position 181, C replaced by A.
Protein change: p.Arg61=; no amino-acid change (arginine 61 retained).
Molecular consequence: synonymous variant. On other transcripts: intron variant (1).
Genome position (GRCh38, 1-based): chr16:88,842,769, G>T on the plus strand (C>A on the coding strand, the complement: GALNS is on the minus strand). VCF-style: chr16-88842769-G-T. GRCh37 (hg19) VCF-style: chr16-88909177-G-T.
Other names: c.199C>A, p.Arg67= (NM_001323544.2); c.-311-798C>A (NM_001323543.2).
Identifiers: ClinVar variation 4797932 (VCV004797932.1).
Genomic context (GRCh38, chr16:88,842,769, plus strand): 5'-GCGAGCACAGAGGGTTGGCAGAATAGAAGTTTGGGAAAAGCAGCCCTTCTGCAGCCATCC[G>T]GTCCAAATTCGGGGTCTCTCTGGAGGGCTCTCCATACACCCCGAGGTCACCCCATCCCAT-3'
Protein context (NP_000503.1, residues 51-71): EPSRETPNLD[Arg61=]MAAEGLLFPN

ClinVar aggregate classification (germline): Pathogenic (1 of 4 stars; one submission).

Conditions:
Mucopolysaccharidosis, MPS-IV-A (MPS4A). Also called: Morquio syndrome A, mild; MORQUIO SYNDROME A; GALACTOSAMINE-6-SULFATASE DEFICIENCY; GALNS DEFICIENCY; MORQUIO A DISEASE; Mucopolysaccharidosis type IV A. Identifiers: Orphanet 309297, Orphanet 582, MedGen C0086651, MONDO:0009659, OMIM 253000.

Submission:

Labcorp Genetics (formerly Invitae), Labcorp
Classification: Pathogenic for Mucopolysaccharidosis, MPS-IV-A. Last evaluated: 2025-10-01. Review status: criteria provided, single submitter. Criteria: Invitae Variant Classification Sherloc (09022015). Collection method: clinical testing. Allele origin: germline.
Comment: This sequence change affects codon 61 of the GALNS mRNA. It is a 'silent' change, meaning that it does not change the encoded amino acid sequence of the GALNS protein. This variant is not present in population databases (gnomAD no frequency). This variant has been observed in individual(s) with clinical features of mucopolysaccharidosis type IVA (internal data). In at least one individual the data is consistent with being in trans (on the opposite chromosome) from a pathogenic variant. It has also been observed to segregate with disease in related individuals. Algorithms developed to predict the effect of sequence changes on RNA splicing suggest that this variant may disrupt the consensus splice site. For these reasons, this variant has been classified as Pathogenic.